The following is an entry in ClinVar:

NM_004006.3(DMD):c.7967C>T (p.Thr2656Ile)

Gene: DMD (dystrophin; minus strand). Cytogenetic location: Xp21.1.
Variant type: single nucleotide variant.
Coding change: c.7967C>T on transcript NM_004006.3 (MANE Select); coding-DNA position 7967, C replaced by T.
Protein change: p.Thr2656Ile; replaces threonine 2656 with isoleucine.
Molecular consequence: missense variant.
Genome position (GRCh38, 1-based): chrX:31,658,050, G>A on the plus strand (C>T on the coding strand, the complement: DMD is on the minus strand). VCF-style: chrX-31658050-G-A. GRCh37 (hg19) VCF-style: chrX-31676167-G-A.
Other names: c.7943C>T, p.Thr2648Ile (NM_000109.4); c.7955C>T, p.Thr2652Ile (NM_004009.3); c.7598C>T, p.Thr2533Ile (NM_004010.3); c.3944C>T, p.Thr1315Ile (NM_004011.4); c.3935C>T, p.Thr1312Ile (NM_004012.4); c.587C>T, p.Thr196Ile (NM_004013.3, NM_004020.4, NM_004021.3 and 2 more transcripts); short protein forms T2652I, T2648I, T196I, T2533I, T1312I, T1315I, T2656I.
Identifiers: ClinVar variation 2044775 (VCV002044775.4), dbSNP rs1569186515, ClinGen allele CA412655846.

ClinVar aggregate classification (germline): Uncertain significance (1 of 4 stars; one submission).

Conditions:
Duchenne muscular dystrophy (DMD). Also called: MUSCULAR DYSTROPHY, PSEUDOHYPERTROPHIC PROGRESSIVE, DUCHENNE TYPE; Duchenne Muscular Dystrophy (DMD). Identifiers: Orphanet 98896, MedGen C0013264, MONDO:0010679, OMIM 310200.

Submission:

Labcorp Genetics (formerly Invitae), Labcorp
Classification: Uncertain significance for Duchenne muscular dystrophy. Last evaluated: 2021-12-17. Review status: criteria provided, single submitter. Criteria: Invitae Variant Classification Sherloc (09022015). Collection method: clinical testing. Allele origin: germline.
Comment: In summary, the available evidence is currently insufficient to determine the role of this variant in disease. Therefore, it has been classified as a Variant of Uncertain Significance. Algorithms developed to predict the effect of missense changes on protein structure and function (SIFT, PolyPhen-2, Align-GVGD) all suggest that this variant is likely to be disruptive. This variant has not been reported in the literature in individuals affected with DMD-related conditions. This variant is not present in population databases (gnomAD no frequency). This sequence change replaces threonine, which is neutral and polar, with isoleucine, which is neutral and non-polar, at codon 2656 of the DMD protein (p.Thr2656Ile).